The following is an entry in ClinVar:

ClinVar aggregate classification (germline): Pathogenic/Likely pathogenic. Review status: criteria provided, multiple submitters, no conflicts (2 of 4 stars). 2 submissions from 2 submitters: Pathogenic (1); Likely pathogenic (1). Last evaluated 2024-03-29.

Conditions:
Bloom syndrome (BLM). Also called: Bloom-Torre-Machacek syndrome. Identifiers: Orphanet 125, MedGen C0005859, MONDO:0008876, OMIM 210900.

Submissions (2):

Baylor Genetics
Classification: Likely pathogenic for Bloom syndrome. Last evaluated: 2024-03-29. Review status: criteria provided, single submitter. Criteria: ACMG Guidelines, 2015. Collection method: clinical testing. Allele origin: unknown.

Labcorp Genetics (formerly Invitae), Labcorp
Classification: Pathogenic for Bloom syndrome. Last evaluated: 2023-03-26. Review status: criteria provided, single submitter. Criteria: Invitae Variant Classification Sherloc (09022015). Collection method: clinical testing. Allele origin: germline.
Comment: This sequence change creates a premature translational stop signal (p.Ile243Metfs*6) in the BLM gene. It is expected to result in an absent or disrupted protein product. Loss-of-function variants in BLM are known to be pathogenic (PMID: 17407155). For these reasons, this variant has been classified as Pathogenic. This variant has not been reported in the literature in individuals affected with BLM-related conditions. This variant is not present in population databases (gnomAD no frequency).

Literature cited by the submitters: PubMed 17407155 (cited by Labcorp Genetics (formerly Invitae), Labcorp).

NM_000057.4(BLM):c.729del (p.Ile243fs)

Gene: BLM (BLM RecQ like helicase; plus strand). Cytogenetic location: 15q26.1.
Variant type: Deletion.
Coding change: c.729del on transcript NM_000057.4 (MANE Select); coding-DNA position 729, one base deleted (T; older notation c.729delT).
Protein change: p.Ile243fs; shifts the reading frame from isoleucine 243.
Molecular consequence: frameshift variant. On other transcripts: 5 prime UTR variant (1).
Genome position (GRCh38, 1-based): chr15:90,749,997, T deleted; the last of 2 consecutive T bases (chr15:90,749,996-90,749,997); deleting either gives the same sequence. VCF-style (leftmost placement, unchanged base first): chr15-90749995-AT-A. GRCh37 (hg19) VCF-style: chr15-91293225-AT-A.
Other names: c.729del, p.Ile243fs (NM_001287246.2, NM_001287247.2); c.-563del (NM_001287248.2); short protein forms I243fs.
Identifiers: ClinVar variation 2849451 (VCV002849451.4), dbSNP rs2505394659, ClinGen allele CA2739269756.